The following is an entry in ClinVar:

ClinVar aggregate classification (germline): Likely pathogenic (1 of 4 stars; one submission).

Conditions:
8q24.3 microdeletion syndrome. Also called: CHROMOSOME 8q24.3 DELETION SYNDROME; Verheij syndrome. Identifiers: Orphanet 508488, MedGen C3810023, MONDO:0014263, OMIM 615583.

Submission:

Institute of Immunology and Genetics Kaiserslautern
Classification: Likely pathogenic for 8q24.3 microdeletion syndrome. Last evaluated: 2024-10-14. Review status: criteria provided, single submitter. Criteria: ACMG Guidelines, 2015. Collection method: clinical testing. Allele origin: germline. Affected: yes.
Comment: ACMG Criteria: PVS1, PM2; Variant was found in heterozygous state

NM_078480.3(PUF60):c.277C>T (p.Gln93Ter)

Gene: PUF60 (poly(U) binding splicing factor 60; minus strand). Cytogenetic location: 8q24.3.
Variant type: single nucleotide variant.
Coding change: c.277C>T on transcript NM_078480.3 (MANE Select); coding-DNA position 277, C replaced by T.
Protein change: p.Gln93Ter; replaces glutamine 93 with a stop codon.
Molecular consequence: nonsense.
Genome position (GRCh38, 1-based): chr8:143,821,617, G>A on the plus strand (C>T on the coding strand, the complement: PUF60 is on the minus strand). VCF-style: chr8-143821617-G-A. GRCh37 (hg19) VCF-style: chr8-144903787-G-A.
Other names: c.148C>T, p.Gln50Ter (NM_001136033.3, NM_001271100.2); c.274C>T, p.Gln92Ter (NM_001271096.2, NM_001271098.2); c.190C>T, p.Gln64Ter (NM_001271097.2, NM_001271099.2); c.388C>T, p.Gln130Ter (NM_001362895.2, NM_001362896.2, NM_001362897.2); c.277C>T, p.Gln93Ter (NM_014281.5); short protein forms Q130*, Q50*, Q64*, Q92*, Q93*.
Identifiers: ClinVar variation 3366931 (VCV003366931.1).
Genomic context (GRCh38, chr8:143,821,617, plus strand): 5'-TGTGGTGGGGAGGGCGGTAGAGGCTCCGGCCGGGGCTCACCTGCAGGTTGGTGAGCTGCT[G>A]CTGCTGGTGCGCGATGGTCTGCTTCACCAGCACACTCTTGATGCTCTGCTCCATGGCGTA-3'